The following is an entry in ClinVar:

ClinVar aggregate classification (germline): Uncertain significance (1 of 4 stars; one submission).

Conditions:
Inborn genetic diseases. Identifiers: MedGen C0950123, MeSH D030342.

Submission:

Ambry Genetics
Classification: Uncertain significance for Inborn genetic diseases. Last evaluated: 2024-12-13. Review status: criteria provided, single submitter. Criteria: Ambry Variant Classification Scheme 2023. Collection method: clinical testing. Allele origin: germline.
Comment: The p.L38F variant (also known as c.112C>T), located in coding exon 2 of the USB1 gene, results from a C to T substitution at nucleotide position 112. The leucine at codon 38 is replaced by phenylalanine, an amino acid with highly similar properties. This amino acid position is conserved. In addition, this alteration is predicted to be tolerated by in silico analysis. Based on the available evidence, the clinical significance of this variant remains unclear.

NM_024598.4(USB1):c.112C>T (p.Leu38Phe)

Gene: USB1 (U6 snRNA biogenesis phosphodiesterase 1; plus strand). Cytogenetic location: 16q21.
Variant type: single nucleotide variant.
Coding change: c.112C>T on transcript NM_024598.4 (MANE Select); coding-DNA position 112, C replaced by T.
Protein change: p.Leu38Phe; replaces leucine 38 with phenylalanine.
Molecular consequence: missense variant. On other transcripts: 5 prime UTR variant (1).
Genome position (GRCh38, 1-based): chr16:58,002,492, C>T. VCF-style: chr16-58002492-C-T. GRCh37 (hg19) VCF-style: chr16-58036396-C-T.
Other names: c.112C>T, p.Leu38Phe (NM_001195302.2, NM_001204911.2, NM_001330569.2); c.-42C>T (NM_001330568.2); short protein forms L38F.
Identifiers: ClinVar variation 3813860 (VCV003813860.1).